The following is an entry in ClinVar:

ClinVar aggregate classification (germline): Uncertain significance (1 of 4 stars; one submission).

Conditions:
Hao-Fountain syndrome due to USP7 mutation. Also called: USP7-Related Hao Fountain Syndrome. Identifiers: Orphanet 643538, MedGen C5816734, MONDO:0958071, OMIM 616863.

Submission:

Laboratorio de Genetica e Diagnostico Molecular, Hospital Israelita Albert Einstein
Classification: Uncertain significance for Hao-Fountain syndrome due to USP7 mutation. Last evaluated: 2025-07-30. Review status: criteria provided, single submitter. Criteria: ACMG Guidelines, 2015. Collection method: clinical testing. Allele origin: germline. Affected: yes.
Comment: ACMG classification criteria: PM2 supporting, PP2 supporting, BP4 supporting

NM_003470.3(USP7):c.1755T>G (p.Asp585Glu)

Gene: USP7 (ubiquitin specific peptidase 7; minus strand). Cytogenetic location: 16p13.2.
Variant type: single nucleotide variant.
Coding change: c.1755T>G on transcript NM_003470.3 (MANE Select); coding-DNA position 1755, T replaced by G.
Protein change: p.Asp585Glu; replaces aspartic acid 585 with glutamic acid.
Molecular consequence: missense variant. On other transcripts: non-coding transcript variant (1).
Genome position (GRCh38, 1-based): chr16:8,903,352, A>C on the plus strand (T>G on the coding strand, the complement: USP7 is on the minus strand). VCF-style: chr16-8903352-A-C. GRCh37 (hg19) VCF-style: chr16-8997209-A-C.
Other names: c.1707T>G, p.Asp569Glu (NM_001286457.2); c.1458T>G, p.Asp486Glu (NM_001286458.2); c.1581T>G, p.Asp527Glu (NM_001321858.2); short protein forms D486E, D527E, D569E, D585E.
Identifiers: ClinVar variation 4846959 (VCV004846959.1).